The following is an entry in ClinVar:

ClinVar aggregate classification (germline): Uncertain significance. Review status: criteria provided, multiple submitters, no conflicts (2 of 4 stars). 2 submissions from 2 submitters: Uncertain significance (2). Last evaluated 2024-03-28.

Conditions:
Hereditary cancer-predisposing syndrome. Also called: Neoplastic Syndromes, Hereditary; Hereditary neoplastic syndrome; Tumor predisposition; Hereditary Cancer Syndrome. Identifiers: Orphanet 140162, MedGen C0027672, MeSH D009386, MONDO:0015356.
Oligodontia-cancer predisposition syndrome. Also called: TOOTH AGENESIS-COLORECTAL CANCER SYNDROME. Identifiers: Orphanet 300576, MedGen C1837750, MONDO:0012075, OMIM 608615. Disease mechanism: loss of function.

Allele frequency attached by ClinVar (database versions not stated): gnomAD exomes 0.00001.
gnomAD v4.1: 3 of 1,549,946 alleles (0.00019%); highest among the groups gnomAD compares: East Asian, 0.0046%; no homozygotes.

Submissions (2):

Ambry Genetics
Classification: Uncertain significance for Hereditary cancer-predisposing syndrome. Last evaluated: 2024-03-28. Review status: criteria provided, single submitter. Criteria: Ambry Variant Classification Scheme 2023. Collection method: clinical testing. Allele origin: germline.
Comment: The p.D401N variant (also known as c.1201G>A) is located in coding exon 5 of the AXIN2 gene. The aspartic acid at codon 401 is replaced by asparagine, an amino acid with highly similar properties. This change occurs in the first base pair of coding exon 5. This amino acid position is highly conserved through mammals but not in all available vertebrate species. In addition, this alteration is predicted to be tolerated by in silico analysis. Since supporting evidence is limited at this time, the clinical significance of this alteration remains unclear.

Labcorp Genetics (formerly Invitae), Labcorp
Classification: Uncertain significance for Oligodontia-cancer predisposition syndrome. Last evaluated: 2023-06-19. Review status: criteria provided, single submitter. Criteria: Invitae Variant Classification Sherloc (09022015). Collection method: clinical testing. Allele origin: germline.
Comment: This sequence change replaces aspartic acid, which is acidic and polar, with asparagine, which is neutral and polar, at codon 401 of the AXIN2 protein (p.Asp401Asn). This variant is not present in population databases (gnomAD no frequency). This variant has not been reported in the literature in individuals affected with AXIN2-related conditions. ClinVar contains an entry for this variant (Variation ID: 1391654). An algorithm developed to predict the effect of missense changes on protein structure and function (PolyPhen-2) suggests that this variant is likely to be tolerated. In summary, the available evidence is currently insufficient to determine the role of this variant in disease. Therefore, it has been classified as a Variant of Uncertain Significance.

NM_004655.4(AXIN2):c.1201G>A (p.Asp401Asn)

Gene: AXIN2 (axin 2; minus strand). Cytogenetic location: 17q24.1.
Variant type: single nucleotide variant.
Coding change: c.1201G>A on transcript NM_004655.4 (MANE Select); coding-DNA position 1201, G replaced by A.
Protein change: p.Asp401Asn; replaces aspartic acid 401 with asparagine.
Molecular consequence: missense variant.
Genome position (GRCh38, 1-based): chr17:65,537,835, C>T on the plus strand (G>A on the coding strand, the complement: AXIN2 is on the minus strand). VCF-style: chr17-65537835-C-T. GRCh37 (hg19) VCF-style: chr17-63533953-C-T.
Other names: c.1201G>A, p.Asp401Asn (NM_001363813.1); short protein forms D401N.
Identifiers: ClinVar variation 1391654 (VCV001391654.9), dbSNP rs2144468873, ClinGen allele CA400677978.
Genomic context (GRCh38, chr17:65,537,835, plus strand): 5'-GCTGCGTGGGCGCCCCCTCCCGCGAATTGAGTGTGAGCTCGGAGCCCTCTCTCTCTTCAT[C>T]CTGAAAGGGAAGACGTCAGAAGGAGAAGTGACCCAGGAAGCAGAAGGGCCAGAGGCCCTG-3'
Protein context (NP_004646.3, residues 391-411): LEERLQQIRE[Asp401Asn]EEREGSELTL